The following is an entry in ClinVar:

ClinVar aggregate classification (germline): Uncertain significance (1 of 4 stars; one submission).

gnomAD v4.1: 2 of 1,612,878 alleles (0.00012%); highest among the groups gnomAD compares: African/African-American, 0.0027%; no homozygotes.

Submission:

Laboratory for Molecular Medicine, Mass General Brigham Personalized Medicine
Classification: Uncertain significance. Last evaluated: 2016-10-25. Review status: criteria provided, single submitter. Criteria: LMM Criteria. Collection method: clinical testing. Allele origin: germline. Observed: 1 variant allele.
Comment: The c.380-10T>A variant in ILDR1 has not been previously reported in individuals with hearing loss or in large population studies. This variant is located in th e 3' splice region. Computational tools do not suggest an impact to splicing; ho wever, this information is not predictive enough to rule out pathogenicity. In s ummary, the clinical significance of the c.380-10T>A variant is uncertain.

NM_001199799.2(ILDR1):c.380-10T>A

Gene: ILDR1 (immunoglobulin like domain containing receptor 1; minus strand). Cytogenetic location: 3q13.33.
Variant type: single nucleotide variant.
Coding change: c.380-10T>A on transcript NM_001199799.2 (MANE Select); 10 bases into the intron before coding-DNA position 380, T replaced by A.
Molecular consequence: intron variant.
Genome position (GRCh38, 1-based): chr3:122,001,874, A>T on the plus strand (T>A on the coding strand, the complement: ILDR1 is on the minus strand). VCF-style: chr3-122001874-A-T. GRCh37 (hg19) VCF-style: chr3-121720721-A-T.
Other names: c.379+3370T>A (NM_001199800.2); c.380-10T>A (NM_175924.4).
Identifiers: ClinVar variation 505382 (VCV000505382.4), dbSNP rs748442864, ClinGen allele CA658796356.